The following is an entry in ClinVar:

ClinVar aggregate classification (germline): Pathogenic. Review status: criteria provided, multiple submitters, no conflicts (2 of 4 stars). 3 submissions from 3 submitters: Pathogenic (3). Last evaluated 2022-01-21.

Conditions:
Fraser syndrome 1 (FRASRS1). Also called: CRYPTOPHTHALMOS WITH OTHER MALFORMATIONS. Identifiers: Orphanet 2052, MedGen C4551480, MONDO:0054737, OMIM 219000.

Allele frequency attached by ClinVar (database versions not stated): gnomAD exomes below 0.00001; gnomAD 0.00001; TOPMed 0.00001.
gnomAD v4.1: 7 of 1,613,498 alleles (0.00043%); highest among the groups gnomAD compares: African/African-American, 0.0013%; no homozygotes.

Submissions (3):

Women's Health and Genetics/Laboratory Corporation of America, LabCorp
Classification: Pathogenic for Fraser syndrome 1. Last evaluated: 2022-01-21. Review status: criteria provided, single submitter. Criteria: LabCorp Variant Classification Summary - May 2015. Collection method: clinical testing. Allele origin: germline.
Comment: Variant summary: FRAS1 c.6805C>T (p.Arg2269X) results in a premature termination codon, predicted to cause a truncation of the encoded protein or absence of the protein due to nonsense mediated decay, which are commonly known mechanisms for disease. Truncations downstream of this position have not been classified as pathogenic by our laboratory but reported in the HGMD database. The variant allele was found at a frequency of 4e-06 in 248854 control chromosomes. c.6805C>T has been reported in the literature in at-least one individual affected with Fraser syndrome (Cryptophthalmos Syndrome)(example, Midro_2020). To our knowledge, no experimental evidence demonstrating an impact on protein function has been reported. Two clinical diagnostic laboratories have submitted clinical-significance assessments for this variant to ClinVar after 2014 without evidence for independent evaluation. All laboratories classified the variant as pathogenic. Based on the evidence outlined above, the variant was classified as pathogenic.

Revvity Omics, Revvity
Classification: Pathogenic for Fraser syndrome 1. Last evaluated: 2021-02-15. Review status: criteria provided, single submitter. Criteria: ACMG Guidelines, 2015. Collection method: clinical testing. Allele origin: germline.

Labcorp Genetics (formerly Invitae), Labcorp
Classification: Pathogenic. Last evaluated: 2017-09-07. Review status: criteria provided, single submitter. Criteria: Invitae Variant Classification Sherloc (09022015). Collection method: clinical testing. Allele origin: germline.
Comment: For these reasons, this variant has been classified as Pathogenic. Loss-of-function variants in FRAS1 are known to be pathogenic (PMID: 12766769, 18671281). This variant has not been reported in the literature in individuals with FRAS1-related disease. This variant is not present in population databases (ExAC no frequency). This sequence change creates a premature translational stop signal (p.Arg2269*) in the FRAS1 gene. It is expected to result in an absent or disrupted protein product.

Literature cited by the submitters: PubMed 31999076 (cited by Women's Health and Genetics/Laboratory Corporation of America, LabCorp); PubMed 12766769 (cited by Labcorp Genetics (formerly Invitae), Labcorp); PubMed 18671281 (cited by Labcorp Genetics (formerly Invitae), Labcorp).

NM_025074.7(FRAS1):c.6805C>T (p.Arg2269Ter)

Gene: FRAS1 (Fraser extracellular matrix complex subunit 1; plus strand). Cytogenetic location: 4q21.21.
Variant type: single nucleotide variant.
Coding change: c.6805C>T on transcript NM_025074.7 (MANE Select); coding-DNA position 6805, C replaced by T.
Protein change: p.Arg2269Ter; replaces arginine 2269 with a stop codon.
Molecular consequence: nonsense.
Genome position (GRCh38, 1-based): chr4:78,464,062, C>T. VCF-style: chr4-78464062-C-T. GRCh37 (hg19) VCF-style: chr4-79385216-C-T.
Other names: short protein forms R2269*.
Identifiers: ClinVar variation 1074280 (VCV001074280.11), dbSNP rs1460031293, ClinGen allele CA357401161.